The following is an entry in ClinVar:

ClinVar aggregate classification (germline): Uncertain significance (1 of 4 stars; one submission).

Conditions:
Brachyolmia-amelogenesis imperfecta syndrome. Also called: Tooth agenesis, selective, 6; Dental anomalies and short stature; PLATYSPONDYLY WITH AMELOGENESIS IMPERFECTA. Identifiers: Orphanet 2899, MedGen C1832594, MONDO:0011018, OMIM 601216. Disease mechanism: loss of function.

Allele frequency attached by ClinVar (database versions not stated): gnomAD 0.00001; gnomAD exomes 0.00001 and 0.00006; ExAC 0.00005; TOPMed 0.00005.
gnomAD v4.1: 12 of 1,601,530 alleles (0.00075%); highest among the groups gnomAD compares: East Asian, 0.027%; no homozygotes.

Submission:

Labcorp Genetics (formerly Invitae), Labcorp
Classification: Uncertain significance for Brachyolmia-amelogenesis imperfecta syndrome. Last evaluated: 2024-10-03. Review status: criteria provided, single submitter. Criteria: Invitae Variant Classification Sherloc (09022015). Collection method: clinical testing. Allele origin: germline.
Comment: This sequence change replaces tryptophan, which is neutral and slightly polar, with glycine, which is neutral and non-polar, at codon 758 of the LTBP3 protein (p.Trp758Gly). This variant is present in population databases (rs763648441, gnomAD 0.09%). This variant has not been reported in the literature in individuals affected with LTBP3-related conditions. ClinVar contains an entry for this variant (Variation ID: 1397823). An algorithm developed to predict the effect of missense changes on protein structure and function (PolyPhen-2) suggests that this variant is likely to be disruptive. In summary, the available evidence is currently insufficient to determine the role of this variant in disease. Therefore, it has been classified as a Variant of Uncertain Significance.

NM_001130144.3(LTBP3):c.2272T>G (p.Trp758Gly)

Genes: LTBP3 (latent transforming growth factor beta binding protein 3; minus strand), LOC130006029 (ATAC-STARR-seq lymphoblastoid silent region 3532; plus strand). Cytogenetic location: 11q13.1.
Variant type: single nucleotide variant.
Coding change: c.2272T>G on transcript NM_001130144.3 (MANE Select); coding-DNA position 2272, T replaced by G.
Protein change: p.Trp758Gly; replaces tryptophan 758 with glycine.
Molecular consequence: missense variant.
Genome position (GRCh38, 1-based): chr11:65,546,523, A>C on the plus strand (T>G on the coding strand, the complement: LTBP3 is on the minus strand). VCF-style: chr11-65546523-A-C. GRCh37 (hg19) VCF-style: chr11-65313994-A-C.
Other names: c.1921T>G, p.Trp641Gly (NM_001164266.1); c.2272T>G, p.Trp758Gly (NM_021070.4); short protein forms W758G, W641G.
Identifiers: ClinVar variation 1397823 (VCV001397823.8), dbSNP rs763648441, ClinGen allele CA6100665.